The following is an entry in ClinVar:

ClinVar aggregate classification (germline): Conflicting classifications of pathogenicity. Review status: criteria provided, conflicting classifications (1 of 4 stars). 5 submissions from 5 submitters: Uncertain significance (2); Likely benign (3). Last evaluated 2025-09-09.

Conditions:
Cardiovascular phenotype. Identifiers: MedGen CN230736.
Cardiac arrhythmia. Also called: Arrhythmia; Cardiac rhythm disease. Identifiers: MedGen C0003811, MONDO:0007263, HP:0011675.
Long QT syndrome (LQTS). Identifiers: MedGen C0023976, MeSH D008133, MONDO:0002442. Disease mechanism: loss of function. Inheritance: Various modes of inheritance.
Long QT syndrome 2 (LQT2). Identifiers: Orphanet 101016, Orphanet 768, MedGen C3150943, MONDO:0013367, OMIM 613688.

Allele frequency attached by ClinVar (database versions not stated): TOPMed 0.00006; ESP Exome Variant Server 0.00008; gnomAD 0.00010.
gnomAD v4.1: 41 of 1,295,224 alleles (0.0032%); highest among the groups gnomAD compares: East Asian, 0.069%; no homozygotes.

Submissions (5):

Color Diagnostics, LLC DBA Color Health
Classification: Likely benign for Cardiac arrhythmia. Last evaluated: 2025-09-09. Review status: criteria provided, single submitter. Criteria: ACMG Guidelines, 2015. Collection method: clinical testing. Allele origin: germline.

Ambry Genetics
Classification: Likely benign for Cardiovascular phenotype. Last evaluated: 2025-02-21. Review status: criteria provided, single submitter. Criteria: Ambry Variant Classification Scheme 2023. Collection method: clinical testing. Allele origin: germline.

Labcorp Genetics (formerly Invitae), Labcorp
Classification: Likely benign for Long QT syndrome. Last evaluated: 2024-12-24. Review status: criteria provided, single submitter. Criteria: Invitae Variant Classification Sherloc (09022015). Collection method: clinical testing. Allele origin: germline.

All of Us Research Program, National Institutes of Health
Classification: Uncertain significance for Long QT syndrome. Last evaluated: 2024-02-05. Review status: criteria provided, single submitter. Criteria: ACMG Guidelines, 2015. Collection method: clinical testing. Allele origin: germline. Inheritance: Autosomal dominant inheritance. Observed: 3 variant alleles, 3 heterozygotes.
Comment: This missense variant replaces arginine with histidine at codon 894 of the KCNH2 protein. Computational prediction suggests that this variant may have a deleterious impact on protein structure and function (internally defined REVEL score threshold >= 0.7, PMID: 27666373). To our knowledge, functional studies have not been reported for this variant. This variant has been reported in an individual affected with atrial fibrillation and in an individual suspected to be affected with epilepsy (PMID: 30276209, 31696929). This variant has been identified in 25/275238 chromosomes in the general population by the Genome Aggregation Database (gnomAD). The elevated variant allele frequency in the general population indicates that this variant may not be disease-causing. However, additional studies are necessary to determine the role of this variant in disease conclusively. Therefore, this variant is classified as a Variant of Uncertain Significance.

This study involves interpretation of variants in research participants for the purpose of population health screening. Participant phenotype was not available at the time of variant classification. Additional details can be found in publication PMID: 35346344, PMCID: PMC8962531

MVZ Martinsried, Medicover Genetics
Classification: Uncertain significance for Long QT syndrome 2. Last evaluated: 2017-04-05. Review status: criteria provided, single submitter. Criteria: ACMG Guidelines, 2015. Collection method: clinical testing. Allele origin: unknown. Affected: yes.

Literature cited by the submitters: PubMed 30276209 (cited by Ambry Genetics and All of Us Research Program, National Institutes of Health); PubMed 31696929 (cited by All of Us Research Program, National Institutes of Health).

NM_000238.4(KCNH2):c.2681G>A (p.Arg894His)

Gene: KCNH2 (potassium voltage-gated channel subfamily H member 2; minus strand). Cytogenetic location: 7q36.1.
Variant type: single nucleotide variant.
Coding change: c.2681G>A on transcript NM_000238.4 (MANE Select); coding-DNA position 2681, G replaced by A.
Protein change: p.Arg894His; replaces arginine 894 with histidine.
Molecular consequence: missense variant.
Genome position (GRCh38, 1-based): chr7:150,948,455, C>T on the plus strand (G>A on the coding strand, the complement: KCNH2 is on the minus strand). VCF-style: chr7-150948455-C-T. GRCh37 (hg19) VCF-style: chr7-150645543-C-T.
Other names: c.1661G>A, p.Arg554His (NM_172057.3); short protein forms R554H, R894H.
Identifiers: ClinVar variation 448972 (VCV000448972.22), dbSNP rs199473668, ClinGen allele CA034058.
Genomic context (GRCh38, chr7:150,948,455, plus strand): 5'-AGCCTCACCTTGTCCCCGCCCTCCCCCTTCCTCCCCTCCCCCGCCTCACCCTTGTCCGTG[C>T]GCCTGCGGAAGGACAACTTGCGCTTGCGTTGCCGACTGAAGCCACCCTCTAACTCCGTAC-3'
Protein context (NP_000229.1, residues 884-904): QRKRKLSFRR[Arg894His]TDKDTEQPGE